The following is an entry in ClinVar:

NM_002979.5(SCP2):c.1328A>G (p.Lys443Arg)

Gene: SCP2 (sterol carrier protein 2; plus strand). Cytogenetic location: 1p32.3.
Variant type: single nucleotide variant.
Coding change: c.1328A>G on transcript NM_002979.5 (MANE Select); coding-DNA position 1328, A replaced by G.
Protein change: p.Lys443Arg; replaces lysine 443 with arginine.
Molecular consequence: missense variant.
Genome position (GRCh38, 1-based): chr1:53,028,061, A>G. VCF-style: chr1-53028061-A-G. GRCh37 (hg19) VCF-style: chr1-53493733-A-G.
Other names: c.116A>G, p.Lys39Arg (NM_001007099.3, NM_001007250.3); c.107A>G, p.Lys36Arg (NM_001007100.3); c.1256A>G, p.Lys419Arg (NM_001193599.2); c.1196A>G, p.Lys399Arg (NM_001193600.2); c.1085A>G, p.Lys362Arg (NM_001193617.2); short protein forms K362R, K36R, K399R, K443R, K39R, K419R.
Identifiers: ClinVar variation 1462984 (VCV001462984.5), dbSNP rs756292393, ClinGen allele CA857379.

ClinVar aggregate classification (germline): Uncertain significance (1 of 4 stars; one submission).

Allele frequency attached by ClinVar (database versions not stated): gnomAD exomes below 0.00001 and 0.00002; TOPMed below 0.00001; ExAC 0.00002.
gnomAD v4.1: 5 of 1,580,034 alleles (0.00032%); highest among the groups gnomAD compares: Admixed American, 0.0083%; no homozygotes.

Submission:

Labcorp Genetics (formerly Invitae), Labcorp
Classification: Uncertain significance. Last evaluated: 2022-06-14. Review status: criteria provided, single submitter. Criteria: Invitae Variant Classification Sherloc (09022015). Collection method: clinical testing. Allele origin: germline.
Comment: This sequence change replaces lysine, which is basic and polar, with arginine, which is basic and polar, at codon 443 of the SCP2 protein (p.Lys443Arg). This variant is present in population databases (rs756292393, gnomAD 0.01%). This variant has not been reported in the literature in individuals affected with SCP2-related conditions. Algorithms developed to predict the effect of missense changes on protein structure and function (SIFT, PolyPhen-2, Align-GVGD) all suggest that this variant is likely to be tolerated. In summary, the available evidence is currently insufficient to determine the role of this variant in disease. Therefore, it has been classified as a Variant of Uncertain Significance.